The following is an entry in ClinVar:

ClinVar aggregate classification (germline): Uncertain significance. Review status: criteria provided, multiple submitters, no conflicts (2 of 4 stars). 2 submissions from 2 submitters: Uncertain significance (2). Last evaluated 2022-07-17.

Conditions:
Lethal tight skin contracture syndrome. Also called: RESTRICTIVE DERMOPATHY, LETHAL; FETAL HYPOKINESIA SEQUENCE DUE TO RESTRICTIVE DERMOPATHY; HYPERKERATOSIS-CONTRACTURE SYNDROME; Restrictive dermopathy. Identifiers: Orphanet 1662, MedGen C0406585, MONDO:0031213.
Mandibuloacral dysplasia with type B lipodystrophy (MADB). Also called: LIPODYSTROPHY, TYPE B, ASSOCIATED WITH MANDIBULOACRAL DYSPLASIA. Identifiers: Orphanet 2457, Orphanet 90154, MedGen C1837756, MONDO:0012074, OMIM 608612.

Allele frequency attached by ClinVar (database versions not stated): ExAC 0.00001; gnomAD exomes 0.00001 and 0.00004; gnomAD 0.00003 and 0.00004; TOPMed 0.00004.
gnomAD v4.1: 84 of 1,614,096 alleles (0.0052%); highest among the groups gnomAD compares: East Asian, 0.027%; 2 homozygotes.

Submissions (2):

Labcorp Genetics (formerly Invitae), Labcorp
Classification: Uncertain significance. Last evaluated: 2022-07-17. Review status: criteria provided, single submitter. Criteria: Invitae Variant Classification Sherloc (09022015). Collection method: clinical testing. Allele origin: germline.
Comment: This sequence change replaces threonine, which is neutral and polar, with isoleucine, which is neutral and non-polar, at codon 87 of the ZMPSTE24 protein (p.Thr87Ile). This variant is present in population databases (rs372440430, gnomAD 0.02%). This variant has not been reported in the literature in individuals affected with ZMPSTE24-related conditions. ClinVar contains an entry for this variant (Variation ID: 1514530). Algorithms developed to predict the effect of missense changes on protein structure and function output the following: SIFT: "Not Available"; PolyPhen-2: "Benign"; Align-GVGD: "Not Available". The isoleucine amino acid residue is found in multiple mammalian species, which suggests that this missense change does not adversely affect protein function. In summary, the available evidence is currently insufficient to determine the role of this variant in disease. Therefore, it has been classified as a Variant of Uncertain Significance.

Fulgent Genetics
Classification: Uncertain significance for Restrictive dermopathy 1; Mandibuloacral dysplasia with type B lipodystrophy. Last evaluated: 2021-09-03. Review status: criteria provided, single submitter. Criteria: ACMG Guidelines, 2015. Collection method: clinical testing. Allele origin: unknown.

NM_005857.5(ZMPSTE24):c.260C>T (p.Thr87Ile)

Gene: ZMPSTE24 (zinc metallopeptidase STE24; plus strand). Cytogenetic location: 1p34.2.
Variant type: single nucleotide variant.
Coding change: c.260C>T on transcript NM_005857.5 (MANE Select); coding-DNA position 260, C replaced by T.
Protein change: p.Thr87Ile; replaces threonine 87 with isoleucine.
Molecular consequence: missense variant.
Genome position (GRCh38, 1-based): chr1:40,260,975, C>T. VCF-style: chr1-40260975-C-T. GRCh37 (hg19) VCF-style: chr1-40726647-C-T.
Other names: short protein forms T87I.
Identifiers: ClinVar variation 1514530 (VCV001514530.6), dbSNP rs372440430, ClinGen allele CA790938.